The following is an entry in ClinVar:

NM_001365999.1(SZT2):c.1089C>T (p.Cys363=)

Gene: SZT2 (SZT2 subunit of KICSTOR complex; plus strand). Cytogenetic location: 1p34.2.
Variant type: single nucleotide variant.
Coding change: c.1089C>T on transcript NM_001365999.1 (MANE Select); coding-DNA position 1089, C replaced by T.
Protein change: p.Cys363=; no amino-acid change (cysteine 363 retained).
Molecular consequence: synonymous variant.
Genome position (GRCh38, 1-based): chr1:43,419,943, C>T. VCF-style: chr1-43419943-C-T. GRCh37 (hg19) VCF-style: chr1-43885614-C-T.
Other names: c.1089C>T, p.Cys363= (NM_015284.4).
Identifiers: ClinVar variation 3730088 (VCV003730088.2).

ClinVar aggregate classification (germline): Uncertain significance (1 of 4 stars; one submission).

gnomAD v4.1: 11 of 1,598,020 alleles (0.00069%); highest among the groups gnomAD compares: African/African-American, 0.0027%; no homozygotes.

Submission:

Labcorp Genetics (formerly Invitae), Labcorp
Classification: Uncertain significance. Last evaluated: 2024-08-24. Review status: criteria provided, single submitter. Criteria: Invitae Variant Classification Sherloc (09022015). Collection method: clinical testing. Allele origin: germline.
Comment: This sequence change affects codon 363 of the SZT2 mRNA. It is a 'silent' change, meaning that it does not change the encoded amino acid sequence of the SZT2 protein. It affects a nucleotide within the consensus splice site. This variant is present in population databases (no rsID available, gnomAD 0.007%). This variant has not been reported in the literature in individuals affected with SZT2-related conditions. Algorithms developed to predict the effect of sequence changes on RNA splicing suggest that this variant is not likely to affect RNA splicing. In summary, the available evidence is currently insufficient to determine the role of this variant in disease. Therefore, it has been classified as a Variant of Uncertain Significance.